The following is an entry in ClinVar:

ClinVar aggregate classification (germline): Uncertain significance. Review status: criteria provided, multiple submitters, no conflicts (2 of 4 stars). 3 submissions from 3 submitters: Uncertain significance (3). Last evaluated 2026-02-21.

Conditions:
Bilateral frontoparietal polymicrogyria. Also called: CORTICAL DYSPLASIA, COMPLEX, WITH OTHER BRAIN MALFORMATIONS 14A (BILATERAL FRONTOPARIETAL); CEREBELLAR ATAXIA WITH NEURONAL MIGRATION DEFECT. Identifiers: Orphanet 101070, MedGen C1847352, MONDO:0011738, OMIM 606854.

Allele frequency attached by ClinVar (database versions not stated): gnomAD 0.00001; TOPMed 0.00001; gnomAD exomes 0.00002 and 0.00003; ExAC 0.00004; 1000 Genomes Project 30x 0.00016; 1000 Genomes Project 0.00020.
gnomAD v4.1: 38 of 1,614,200 alleles (0.0024%); highest among the groups gnomAD compares: Middle Eastern, 0.016%; no homozygotes.

Submissions (3):

GeneDx
Classification: Uncertain significance. Last evaluated: 2026-02-21. Review status: criteria provided, single submitter. Criteria: GeneDx Variant Classification Process June 2021. Collection method: clinical testing. Allele origin: germline.
Comment: Not observed at significant frequency in large population cohorts (gnomAD); In silico analysis supports that this missense variant has a deleterious effect on protein structure/function; Has not been previously published as pathogenic or benign to our knowledge; In silico analysis suggests this variant may impact gene splicing. In the absence of RNA/functional studies, the actual effect of this sequence change is unknown.

Labcorp Genetics (formerly Invitae), Labcorp
Classification: Uncertain significance. Last evaluated: 2022-09-13. Review status: criteria provided, single submitter. Criteria: Invitae Variant Classification Sherloc (09022015). Collection method: clinical testing. Allele origin: germline.
Comment: This sequence change replaces alanine, which is neutral and non-polar, with valine, which is neutral and non-polar, at codon 64 of the ADGRG1 protein (p.Ala64Val). This variant is present in population databases (rs199870082, gnomAD 0.01%). This variant has not been reported in the literature in individuals affected with ADGRG1-related conditions. ClinVar contains an entry for this variant (Variation ID: 1195943). Advanced modeling of protein sequence and biophysical properties (such as structural, functional, and spatial information, amino acid conservation, physicochemical variation, residue mobility, and thermodynamic stability) performed at Invitae indicates that this missense variant is not expected to disrupt ADGRG1 protein function. Algorithms developed to predict the effect of sequence changes on RNA splicing suggest that this variant may create or strengthen a splice site. In summary, the available evidence is currently insufficient to determine the role of this variant in disease. Therefore, it has been classified as a Variant of Uncertain Significance.

Genome-Nilou Lab
Classification: Uncertain significance for Bilateral frontoparietal polymicrogyria. Last evaluated: 2021-07-14. Review status: criteria provided, single submitter. Criteria: ACMG Guidelines, 2015. Collection method: clinical testing. Allele origin: germline. Affected: no.

NM_201525.4(ADGRG1):c.191C>T (p.Ala64Val)

Gene: ADGRG1 (adhesion G protein-coupled receptor G1; plus strand). Cytogenetic location: 16q21.
Variant type: single nucleotide variant.
Coding change: c.191C>T on transcript NM_201525.4 (MANE Select); coding-DNA position 191, C replaced by T.
Protein change: p.Ala64Val; replaces alanine 64 with valine.
Molecular consequence: missense variant. On other transcripts: 5 prime UTR variant (5), intron variant (2).
Genome position (GRCh38, 1-based): chr16:57,651,326, C>T. VCF-style: chr16-57651326-C-T. GRCh37 (hg19) VCF-style: chr16-57685238-C-T.
Other names: c.191C>T (NM_005682.5); c.191C>T, p.Ala64Val (NM_001145770.3, NM_001145771.3, NM_001145772.3 and 16 more transcripts); c.206C>T, p.Ala69Val (NM_001145773.3, NM_001370433.1); c.-335C>T (NM_001290143.2, NM_001290144.2, NM_001370451.1 and 2 more transcripts); c.110+81C>T (NM_001290142.2); c.65-30C>T (NM_001370442.1); short protein forms A64V, A69V.
Identifiers: ClinVar variation 1195943 (VCV001195943.6), dbSNP rs199870082, ClinGen allele CA8078311.